The following is an entry in ClinVar:

ClinVar aggregate classification (germline): Benign (1 of 4 stars; one submission).

Conditions:
Hereditary spastic paraplegia 6 (SPG6). Also called: SPASTIC PARAPLEGIA 6, AUTOSOMAL DOMINANT. Identifiers: Orphanet 100988, MedGen C1838192, MONDO:0010878, OMIM 600363.

Allele frequency attached by ClinVar (database versions not stated): gnomAD 0.02366 and 0.02493; TOPMed 0.02605; 1000 Genomes Project 0.02815; 1000 Genomes Project 30x 0.03076.

Submission:

Illumina Laboratory Services, Illumina
Classification: Benign for Hereditary spastic paraplegia 6. Last evaluated: 2018-01-13. Review status: criteria provided, single submitter. Criteria: ICSL Variant Classification Criteria 13 December 2019. Collection method: clinical testing. Allele origin: germline.
Comment: This variant was observed in the ICSL laboratory as part of a predisposition screen in an ostensibly healthy population. It had not been previously curated by ICSL or reported in the Human Gene Mutation Database (HGMD: prior to June 1st, 2018), and was therefore a candidate for classification through an automated scoring system. Utilizing variant allele frequency, disease prevalence and penetrance estimates, and inheritance mode, an automated score was calculated to assess if this variant is too frequent to cause the disease. Based on the score and internal cut-off values, a variant classified as benign is not then subjected to further curation. The score for this variant resulted in a classification of benign for this disease.

NM_144599.5(NIPA1):c.*5331T>G

Gene: NIPA1 (NIPA magnesium transporter 1; plus strand). Cytogenetic location: 15q11.2.
Variant type: single nucleotide variant.
Coding change: c.*5331T>G on transcript NM_144599.5 (MANE Select); 5331 bases downstream of the stop codon, T replaced by G.
Molecular consequence: 3 prime UTR variant.
Genome position (GRCh38, 1-based): chr15:22,829,570, T>G. VCF-style: chr15-22829570-T-G. GRCh37 (hg19) VCF-style: chr15-23043498-A-C.
Other names: c.*5331T>G (NM_001142275.1).
Identifiers: ClinVar variation 315335 (VCV000315335.5), dbSNP rs73412681, ClinGen allele CA10646720.